The following is an entry in ClinVar:

NM_004341.5(CAD):c.4464C>T (p.Gly1488=)

Gene: CAD (carbamoyl-phosphate synthetase 2, aspartate transcarbamylase, and dihydroorotase; plus strand). Cytogenetic location: 2p23.3.
Variant type: single nucleotide variant.
Coding change: c.4464C>T on transcript NM_004341.5 (MANE Select); coding-DNA position 4464, C replaced by T.
Protein change: p.Gly1488=; no amino-acid change (glycine 1488 retained).
Molecular consequence: synonymous variant.
Genome position (GRCh38, 1-based): chr2:27,237,446, C>T. VCF-style: chr2-27237446-C-T. GRCh37 (hg19) VCF-style: chr2-27460314-C-T.
Other names: c.4275C>T, p.Gly1425= (NM_001306079.2).
Identifiers: ClinVar variation 1447019 (VCV001447019.5), dbSNP rs2148086796, ClinGen allele CA425385787.

ClinVar aggregate classification (germline): Uncertain significance (1 of 4 stars; one submission).

Submission:

Labcorp Genetics (formerly Invitae), Labcorp
Classification: Uncertain significance. Last evaluated: 2021-08-31. Review status: criteria provided, single submitter. Criteria: Invitae Variant Classification Sherloc (09022015). Collection method: clinical testing. Allele origin: germline.
Comment: This sequence change affects codon 1488 of the CAD mRNA. It is a 'silent' change, meaning that it does not change the encoded amino acid sequence of the CAD protein. This variant is not present in population databases (ExAC no frequency). This variant has not been reported in the literature in individuals affected with CAD-related conditions. Algorithms developed to predict the effect of sequence changes on RNA splicing suggest that this variant may create or strengthen a splice site. In summary, the available evidence is currently insufficient to determine the role of this variant in disease. Therefore, it has been classified as a Variant of Uncertain Significance.